The following is an entry in ClinVar:

ClinVar aggregate classification (germline): Uncertain significance (1 of 4 stars; one submission).

Conditions:
Gorlin syndrome. Also called: Basal cell nevus syndrome; Nevoid Basal Cell Carcinoma Syndrome. Identifiers: Orphanet 377, MedGen C0004779, MONDO:0007187.

Submission:

Labcorp Genetics (formerly Invitae), Labcorp
Classification: Uncertain significance for Gorlin syndrome. Last evaluated: 2022-09-01. Review status: criteria provided, single submitter. Criteria: Invitae Variant Classification Sherloc (09022015). Collection method: clinical testing. Allele origin: germline.
Comment: This sequence change replaces isoleucine, which is neutral and non-polar, with methionine, which is neutral and non-polar, at codon 579 of the PTCH2 protein (p.Ile579Met). This variant is not present in population databases (gnomAD no frequency). In summary, the available evidence is currently insufficient to determine the role of this variant in disease. Therefore, it has been classified as a Variant of Uncertain Significance. Algorithms developed to predict the effect of missense changes on protein structure and function output the following: SIFT: "Tolerated"; PolyPhen-2: "Benign"; Align-GVGD: "Class C0". The methionine amino acid residue is found in multiple mammalian species, which suggests that this missense change does not adversely affect protein function. ClinVar contains an entry for this variant (Variation ID: 1368187). This variant has not been reported in the literature in individuals affected with PTCH2-related conditions.

NM_003738.5(PTCH2):c.1737C>G (p.Ile579Met)

Gene: PTCH2 (patched 2; minus strand). Cytogenetic location: 1p34.1.
Variant type: single nucleotide variant.
Coding change: c.1737C>G on transcript NM_003738.5 (MANE Select); coding-DNA position 1737, C replaced by G.
Protein change: p.Ile579Met; replaces isoleucine 579 with methionine.
Molecular consequence: missense variant.
Genome position (GRCh38, 1-based): chr1:44,828,164, G>C on the plus strand (C>G on the coding strand, the complement: PTCH2 is on the minus strand). VCF-style: chr1-44828164-G-C. GRCh37 (hg19) VCF-style: chr1-45293836-G-C.
Other names: c.1737C>G, p.Ile579Met (NM_001166292.2); short protein forms I579M.
Identifiers: ClinVar variation 1368187 (VCV001368187.8), dbSNP rs2148876037, ClinGen allele CA340099592.